The following is an entry in ClinVar:

ClinVar aggregate classification (germline): Benign/Likely benign. Review status: criteria provided, multiple submitters, no conflicts (2 of 4 stars). 3 submissions from 3 submitters: Benign (1); Likely benign (1). 1 of the submissions does not count toward it. Last evaluated 2025-11-10.

Conditions:
KMT2A-related disorder. Also called: KMT2A-related condition.

Allele frequency attached by ClinVar (database versions not stated): gnomAD exomes 0.00002 and 0.00007; ExAC 0.00011; gnomAD 0.00023; TOPMed 0.00024; ESP Exome Variant Server 0.00031; 1000 Genomes Project 30x 0.00047; 1000 Genomes Project 0.00060.
gnomAD v4.1: 59 of 1,614,172 alleles (0.0037%); highest among the groups gnomAD compares: African/African-American, 0.072%; no homozygotes.

Submissions (3):

Labcorp Genetics (formerly Invitae), Labcorp
Classification: Benign. Last evaluated: 2025-11-10. Review status: criteria provided, single submitter. Criteria: Invitae Variant Classification Sherloc (09022015). Collection method: clinical testing. Allele origin: germline.

Blueprint Genetics
Classification: Likely benign. Last evaluated: 2022-10-30. Review status: criteria provided, single submitter. Criteria: ACMG Guidelines, 2015. Collection method: clinical testing. Allele origin: germline.

PreventionGenetics, part of Exact Sciences
Classification: Likely benign for KMT2A-related condition. Last evaluated: 2023-11-29. Review status: no assertion criteria provided. Collection method: clinical testing. Allele origin: germline. Not counted in ClinVar's aggregate classification.
Comment: This variant is classified as likely benign based on ACMG/AMP sequence variant interpretation guidelines (Richards et al. 2015 PMID: 25741868, with internal and published modifications).

NM_001197104.2(KMT2A):c.8214G>A (p.Arg2738=)

Gene: KMT2A (lysine methyltransferase 2A; plus strand). Cytogenetic location: 11q23.3.
Variant type: single nucleotide variant.
Coding change: c.8214G>A on transcript NM_001197104.2 (MANE Select); coding-DNA position 8214, G replaced by A.
Protein change: p.Arg2738=; no amino-acid change (arginine 2738 retained).
Molecular consequence: synonymous variant.
Genome position (GRCh38, 1-based): chr11:118,504,106, G>A. VCF-style: chr11-118504106-G-A. GRCh37 (hg19) VCF-style: chr11-118374821-G-A.
Other names: c.8205G>A, p.Arg2735= (NM_005933.4); c.8214G>A (NM_001197104.1).
Identifiers: ClinVar variation 1600329 (VCV001600329.11), dbSNP rs138868861, ClinGen allele CA6304469.
Genomic context (GRCh38, chr11:118,504,106, plus strand): 5'-ACAGTTGGATGGTGTTGATGATGGGACAGAGAGTGATACTAGTGTCACAGCCACAACAAG[G>A]AAAAGCAGCCAGATTCCAAAAAGAAATGGTAAAGAAAATGGAACAGAGAACTTAAAGATT-3'
Protein context (NP_001184033.1, residues 2728-2748): ESDTSVTATT[Arg2738=]KSSQIPKRNG